The following is an entry in ClinVar:

ClinVar aggregate classification (germline): Uncertain significance (1 of 4 stars; one submission).

Allele frequency attached by ClinVar (database versions not stated): gnomAD exomes below 0.00001.

Submission:

GeneDx
Classification: Uncertain significance. Last evaluated: 2022-04-05. Review status: criteria provided, single submitter. Criteria: GeneDx Variant Classification Process June 2021. Collection method: clinical testing. Allele origin: germline. Affected: yes.
Comment: In silico analysis supports that this variant does not alter splicing; Has not been previously published as pathogenic or benign to our knowledge

NM_005612.5(REST):c.858C>T (p.Asp286=)

Gene: REST (RE1 silencing transcription factor; plus strand). Cytogenetic location: 4q12.
Variant type: single nucleotide variant.
Coding change: c.858C>T on transcript NM_005612.5 (MANE Select); coding-DNA position 858, C replaced by T.
Protein change: p.Asp286=; no amino-acid change (aspartic acid 286 retained).
Molecular consequence: synonymous variant.
Genome position (GRCh38, 1-based): chr4:56,911,496, C>T. VCF-style: chr4-56911496-C-T. GRCh37 (hg19) VCF-style: chr4-57777662-C-T.
Other names: c.858C>T, p.Asp286= (NM_001193508.2, NM_001363453.3).
Identifiers: ClinVar variation 1708570 (VCV001708570.2), dbSNP rs1160091901, ClinGen allele CA439508860.
Genomic context (GRCh38, chr4:56,911,496, plus strand): 5'-TTTAAGAAACCATTTTCCAAGGAAAGTATACACATGTGGAAAATGCAACTATTTTTCAGA[C>T]AGAAAAAACAATTATGTTCAGCATGTTAGAACTCATACAGGTAAGAGAAGCTTTCTAGTC-3'
Protein context (NP_005603.3, residues 276-296): YTCGKCNYFS[Asp286=]RKNNYVQHVR